The following is an entry in ClinVar:

NM_015001.3(SPEN):c.6915_6917del (p.Ser2306del)

Gene: SPEN (spen family transcriptional repressor; plus strand). Cytogenetic location: 1p36.13.
Variant type: Deletion.
Coding change: c.6915_6917del on transcript NM_015001.3 (MANE Select); coding-DNA positions 6915 to 6917, 3 bases deleted (CAG; older notation c.6915_6917delCAG).
Protein change: p.Ser2306del; deletes serine 2306.
Genome position (GRCh38, 1-based): chr1:15,933,155-15,933,157, CAG deleted; deleting any 3 consecutive bases within chr1:15,933,153-15,933,157 gives the same sequence; the c. name uses the placement nearest the transcript's 3' end. VCF-style (leftmost placement, unchanged base first): chr1-15933152-TAGC-T. GRCh37 (hg19) VCF-style: chr1-16259647-TAGC-T.
Other names: short protein forms S2306del.
Identifiers: ClinVar variation 3041795 (VCV003041795.2), dbSNP rs201824165, ClinGen allele CA620002.
Genomic context (GRCh38, chr1:15,933,152, plus strand): 5'-TCCAGTCAATGCTCCTGACCCCTCAGCCGGCCCAACAGATACCAAGGAAGCCAGAGGAAA[TAGC>T]AGTGAAACCTCACACTCAGTGCCAGAAGCCAAAGGGTCTAAAGAAGTGGAAGTCACTCTT-3'

ClinVar aggregate classification (germline): Benign (0 of 4 stars; one submission).

Conditions:
SPEN-related disorder. Also called: SPEN-related condition.

Submission:

PreventionGenetics, part of Exact Sciences
Classification: Benign for SPEN-related condition. Last evaluated: 2024-04-09. Review status: no assertion criteria provided. Collection method: clinical testing. Allele origin: germline.
Comment: This variant is classified as benign based on ACMG/AMP sequence variant interpretation guidelines (Richards et al. 2015 PMID: 25741868, with internal and published modifications).